The following is an entry in ClinVar:

ClinVar aggregate classification (germline): Conflicting classifications of pathogenicity. Review status: criteria provided, conflicting classifications (1 of 4 stars). 4 submissions from 4 submitters: Uncertain significance (3); Likely benign (1). Last evaluated 2025-12-13.

Conditions:
Polyps, multiple and recurrent inflammatory fibroid, gastrointestinal. Identifiers: MedGen C5193005, MONDO:0008285, OMIM 175510.
Hereditary cancer-predisposing syndrome. Also called: Neoplastic Syndromes, Hereditary; Hereditary Cancer Syndrome; Hereditary neoplastic syndrome; Tumor predisposition. Identifiers: Orphanet 140162, MedGen C0027672, MeSH D009386, MONDO:0015356.
Gastrointestinal stromal tumor. Also called: Gastrointestinal stromal tumor, somatic; Gastrointestinal stroma tumor. Identifiers: Orphanet 44890, MedGen C0238198, MeSH D046152, MONDO:0011719, OMIM 606764, HP:0100723.

Allele frequency attached by ClinVar (database versions not stated): TOPMed 0.00001; gnomAD 0.00003; ESP Exome Variant Server 0.00008.
gnomAD v4.1: 16 of 1,613,564 alleles (0.00099%); highest among the groups gnomAD compares: East Asian, 0.0045%; no homozygotes.

Submissions (4):

Labcorp Genetics (formerly Invitae), Labcorp
Classification: Uncertain significance for Gastrointestinal stromal tumor. Last evaluated: 2025-12-13. Review status: criteria provided, single submitter. Criteria: Invitae Variant Classification Sherloc (09022015). Collection method: clinical testing. Allele origin: germline.
Comment: This sequence change replaces arginine, which is basic and polar, with tryptophan, which is neutral and slightly polar, at codon 340 of the PDGFRA protein (p.Arg340Trp). This variant is present in population databases (rs376626935, gnomAD 0.005%). This variant has not been reported in the literature in individuals affected with PDGFRA-related conditions. ClinVar contains an entry for this variant (Variation ID: 407382). Invitae Evidence Modeling of protein sequence and biophysical properties (such as structural, functional, and spatial information, amino acid conservation, physicochemical variation, residue mobility, and thermodynamic stability) has been performed for this missense variant. However, the output from this modeling did not meet the statistical confidence thresholds required to predict the impact of this variant on PDGFRA protein function. In summary, the available evidence is currently insufficient to determine the role of this variant in disease. Therefore, it has been classified as a Variant of Uncertain Significance.

Ambry Genetics
Classification: Likely benign for Hereditary cancer-predisposing syndrome. Last evaluated: 2025-03-19. Review status: criteria provided, single submitter. Criteria: Ambry Variant Classification Scheme 2023. Collection method: clinical testing. Allele origin: germline.

Baylor Genetics
Classification: Uncertain significance for Polyps, multiple and recurrent inflammatory fibroid, gastrointestinal. Last evaluated: 2024-01-31. Review status: criteria provided, single submitter. Criteria: ACMG Guidelines, 2015. Collection method: clinical testing. Allele origin: unknown.

GeneDx
Classification: Uncertain significance. Last evaluated: 2023-10-09. Review status: criteria provided, single submitter. Criteria: GeneDx Variant Classification Process June 2021. Collection method: clinical testing. Allele origin: germline. Affected: yes.
Comment: Not observed at significant frequency in large population cohorts (gnomAD); In silico analysis supports that this missense variant has a deleterious effect on protein structure/function; Has not been previously published as pathogenic or benign to our knowledge; This variant is associated with the following publications: (PMID: 36825100)

NM_006206.6(PDGFRA):c.1018C>T (p.Arg340Trp)

Gene: PDGFRA (platelet derived growth factor receptor alpha; plus strand). Cytogenetic location: 4q12.
Variant type: single nucleotide variant.
Coding change: c.1018C>T on transcript NM_006206.6 (MANE Select); coding-DNA position 1018, C replaced by T.
Protein change: p.Arg340Trp; replaces arginine 340 with tryptophan.
Molecular consequence: missense variant.
Genome position (GRCh38, 1-based): chr4:54,267,638, C>T. VCF-style: chr4-54267638-C-T. GRCh37 (hg19) VCF-style: chr4-55133805-C-T.
Other names: c.1018C>T, p.Arg340Trp (NM_001347827.2, NM_001347829.2); c.1093C>T, p.Arg365Trp (NM_001347828.2); c.1057C>T, p.Arg353Trp (NM_001347830.2); short protein forms R340W, R365W, R353W.
Identifiers: ClinVar variation 407382 (VCV000407382.15), dbSNP rs376626935, ClinGen allele CA16611555.
Genomic context (GRCh38, chr4:54,267,638, plus strand): 5'-ACCTTCAGCCAGTTGGAAGCTGTCAACCTGCATGAAGTCAAACATTTTGTTGTAGAGGTG[C>T]GGGCCTACCCACCTCCCAGGATATCCTGGCTGAAAAACAATCTGACTCTGATTGAAAATC-3'
Protein context (NP_006197.1, residues 330-350): HEVKHFVVEV[Arg340Trp]AYPPPRISWL